The following is an entry in ClinVar:

ClinVar aggregate classification (germline): Likely benign (1 of 4 stars; one submission).

Allele frequency attached by ClinVar (database versions not stated): TOPMed 0.00001.

Submission:

Laboratory for Molecular Medicine, Mass General Brigham Personalized Medicine
Classification: Likely benign. Last evaluated: 2014-08-26. Review status: criteria provided, single submitter. Criteria: LMM Criteria. Collection method: clinical testing. Allele origin: germline. Observed: 1 variant allele.
Comment: Asn429Asn in exon 5 of PKP2: This variant is not expected to have clinical signi ficance because it does not alter an amino acid residue and is not located withi n the splice consensus sequence.

NM_001005242.3(PKP2):c.1287C>T (p.Asn429=)

Gene: PKP2 (plakophilin 2; minus strand). Cytogenetic location: 12p11.21.
Variant type: single nucleotide variant.
Coding change: c.1287C>T on transcript NM_001005242.3 (MANE Select); coding-DNA position 1287, C replaced by T.
Protein change: p.Asn429=; no amino-acid change (asparagine 429 retained).
Molecular consequence: synonymous variant.
Genome position (GRCh38, 1-based): chr12:32,850,857, G>A on the plus strand (C>T on the coding strand, the complement: PKP2 is on the minus strand). VCF-style: chr12-32850857-G-A. GRCh37 (hg19) VCF-style: chr12-33003791-G-A.
Other names: c.1287C>T, p.Asn429= (NM_004572.4).
Identifiers: ClinVar variation 179952 (VCV000179952.5), dbSNP rs727505239, ClinGen allele CA010946.